The following is an entry in ClinVar:

NM_001130144.3(LTBP3):c.2978-11T>C

Genes: LTBP3 (latent transforming growth factor beta binding protein 3; minus strand), LOC121832793 (Sharpr-MPRA regulatory region 4001; plus strand). Cytogenetic location: 11q13.1.
Variant type: single nucleotide variant.
Coding change: c.2978-11T>C on transcript NM_001130144.3 (MANE Select); 11 bases into the intron before coding-DNA position 2978, T replaced by C.
Molecular consequence: intron variant.
Genome position (GRCh38, 1-based): chr11:65,540,625, A>G on the plus strand (T>C on the coding strand, the complement: LTBP3 is on the minus strand). VCF-style: chr11-65540625-A-G. GRCh37 (hg19) VCF-style: chr11-65308096-A-G.
Other names: c.2627-11T>C (NM_001164266.1); c.2978-11T>C (NM_021070.4).
Identifiers: ClinVar variation 2777584 (VCV002777584.3), dbSNP rs1267074429, ClinGen allele CA2574875733.

ClinVar aggregate classification (germline): Uncertain significance (1 of 4 stars; one submission).

Conditions:
Brachyolmia-amelogenesis imperfecta syndrome. Also called: PLATYSPONDYLY WITH AMELOGENESIS IMPERFECTA; Tooth agenesis, selective, 6; Dental anomalies and short stature. Identifiers: Orphanet 2899, MedGen C1832594, MONDO:0011018, OMIM 601216. Disease mechanism: loss of function.

gnomAD v4.1: 1 of 1,584,220 alleles (0.000063%); highest among the groups gnomAD compares: Non-Finnish European, 0.000086%; no homozygotes.

Submission:

Labcorp Genetics (formerly Invitae), Labcorp
Classification: Uncertain significance for Brachyolmia-amelogenesis imperfecta syndrome. Last evaluated: 2023-11-20. Review status: criteria provided, single submitter. Criteria: Invitae Variant Classification Sherloc (09022015). Collection method: clinical testing. Allele origin: germline.
Comment: This sequence change falls in intron 21 of the LTBP3 gene. It does not directly change the encoded amino acid sequence of the LTBP3 protein. This variant is not present in population databases (gnomAD no frequency). This variant has not been reported in the literature in individuals affected with LTBP3-related conditions. Algorithms developed to predict the effect of sequence changes on RNA splicing suggest that this variant may disrupt the consensus splice site. In summary, the available evidence is currently insufficient to determine the role of this variant in disease. Therefore, it has been classified as a Variant of Uncertain Significance.